The following is an entry in ClinVar:

NM_007078.3(LDB3):c.1165G>A (p.Ala389Thr)

Gene: LDB3 (LIM domain binding 3; plus strand). Cytogenetic location: 10q23.2.
Variant type: single nucleotide variant.
Coding change: c.1165G>A on transcript NM_007078.3 (MANE Select); coding-DNA position 1165, G replaced by A.
Protein change: p.Ala389Thr; replaces alanine 389 with threonine.
Molecular consequence: missense variant.
Genome position (GRCh38, 1-based): chr10:86,709,984, G>A. VCF-style: chr10-86709984-G-A. GRCh37 (hg19) VCF-style: chr10-88469741-G-A.
Other names: c.1024G>A, p.Ala342Thr (NM_001368066.1); c.1165G>A (LRG_385t1); c.835G>A, p.Ala279Thr (NM_001080114.2); c.1180G>A, p.Ala394Thr (NM_001171610.2); c.976G>A, p.Ala326Thr (NM_001368064.1, NM_001368065.1); short protein forms A326T, A342T, A279T, A394T, A389T.
Identifiers: ClinVar variation 666120 (VCV000666120.18), dbSNP rs924634578, ClinGen allele CA211199143.

ClinVar aggregate classification (germline): Uncertain significance. Review status: criteria provided, multiple submitters, no conflicts (2 of 4 stars). 4 submissions from 4 submitters: Uncertain significance (4). Last evaluated 2025-10-29.

Conditions:
Cardiovascular phenotype. Identifiers: MedGen CN230736.
Myofibrillar myopathy 4. Also called: Zaspopathy (type). Identifiers: Orphanet 98912, MedGen C4721886, MONDO:0012277, OMIM 609452.
Cardiomyopathy (CMYO). Also called: Cardiomyopathies. Identifiers: Orphanet 167848, MedGen C0878544, MONDO:0004994, HP:0001638. Inheritance: Various modes of inheritance.

Allele frequency attached by ClinVar (database versions not stated): gnomAD 0.00003; TOPMed 0.00005.
gnomAD v4.1: 20 of 1,612,894 alleles (0.0012%); highest among the groups gnomAD compares: Admixed American, 0.012%; no homozygotes.

Submissions (4):

Labcorp Genetics (formerly Invitae), Labcorp
Classification: Uncertain significance for Myofibrillar myopathy 4. Last evaluated: 2025-10-29. Review status: criteria provided, single submitter. Criteria: Invitae Variant Classification Sherloc (09022015). Collection method: clinical testing. Allele origin: germline.
Comment: The LDB3 gene has multiple clinically relevant transcripts. This variant occurs in alternate transcript NM_007078.3, and corresponds to NM_001080116.1:c.*10610G>A in the primary transcript. This sequence change replaces alanine, which is neutral and non-polar, with threonine, which is neutral and polar, at codon 389 of the LDB3 protein (p.Ala389Thr). This variant is present in population databases (no rsID available, gnomAD 0.02%). This variant has not been reported in the literature in individuals affected with LDB3-related conditions. Experimental studies and prediction algorithms are not available or were not evaluated, and the functional significance of this variant is currently unknown. In summary, the available evidence is currently insufficient to determine the role of this variant in disease. Therefore, it has been classified as a Variant of Uncertain Significance.

Ambry Genetics
Classification: Uncertain significance for Cardiovascular phenotype. Last evaluated: 2025-04-08. Review status: criteria provided, single submitter. Criteria: Ambry Variant Classification Scheme 2023. Collection method: clinical testing. Allele origin: germline.

GeneDx
Classification: Uncertain significance. Last evaluated: 2020-01-13. Review status: criteria provided, single submitter. Criteria: GeneDx Variant Classification Process June 2021. Collection method: clinical testing. Allele origin: germline. Affected: yes.
Comment: Has not been previously published as pathogenic or benign to our knowledge; Reported in ClinVar as a variant of uncertain significance (ClinVar Variant ID# 666120; Landrum et al., 2016); In silico analysis, which includes protein predictors and evolutionary conservation, supports that this variant does not alter protein structure/function

CHEO Genetics Diagnostic Laboratory, Children's Hospital of Eastern Ontario
Classification: Uncertain significance for Cardiomyopathy. Last evaluated: 2018-03-12. Review status: criteria provided, single submitter. Criteria: ACMG Guidelines, 2015. Collection method: clinical testing. Allele origin: germline.